The following is an entry in ClinVar:

ClinVar aggregate classification (germline): Uncertain significance (1 of 4 stars; one submission).

Conditions:
Cardiovascular phenotype. Identifiers: MedGen CN230736.

Allele frequency attached by ClinVar (database versions not stated): gnomAD 0.00001; TOPMed 0.00001.

Submission:

Ambry Genetics
Classification: Uncertain significance for Cardiovascular phenotype. Last evaluated: 2023-06-12. Review status: criteria provided, single submitter. Criteria: Ambry Variant Classification Scheme 2023. Collection method: clinical testing. Allele origin: germline.
Comment: The p.G970R variant (also known as c.2908G>A), located in coding exon 12 of the MYPN gene, results from a G to A substitution at nucleotide position 2908. The glycine at codon 970 is replaced by arginine, an amino acid with dissimilar properties. This amino acid position is conserved. In addition, this alteration is predicted to be deleterious by in silico analysis. Since supporting evidence is limited at this time, the clinical significance of this alteration remains unclear.

NM_032578.4(MYPN):c.2908G>A (p.Gly970Arg)

Gene: MYPN (myopalladin; plus strand). Cytogenetic location: 10q21.3.
Variant type: single nucleotide variant.
Coding change: c.2908G>A on transcript NM_032578.4 (MANE Select); coding-DNA position 2908, G replaced by A.
Protein change: p.Gly970Arg; replaces glycine 970 with arginine.
Molecular consequence: missense variant. On other transcripts: non-coding transcript variant (2).
Genome position (GRCh38, 1-based): chr10:68,189,109, G>A. VCF-style: chr10-68189109-G-A. GRCh37 (hg19) VCF-style: chr10-69948866-G-A.
Other names: c.2908G>A, p.Gly970Arg (NM_001256267.2); c.2026G>A, p.Gly676Arg (NM_001256268.2); short protein forms G970R, G676R.
Identifiers: ClinVar variation 2563986 (VCV002563986.2), dbSNP rs1191423566, ClinGen allele CA376854065.